The following is an entry in ClinVar:

ClinVar aggregate classification (germline): Uncertain significance (1 of 4 stars; one submission).

Conditions:
Inborn genetic diseases. Identifiers: MedGen C0950123, MeSH D030342.

Submission:

Ambry Genetics
Classification: Uncertain significance for Inborn genetic diseases. Last evaluated: 2026-06-04. Review status: criteria provided, single submitter. Criteria: Ambry Variant Classification Scheme 2023. Collection method: clinical testing. Allele origin: germline.
Comment: The p.D342A variant (also known as c.1025A>C), located in coding exon 9 of the ANKRD26 gene, results from an A to C substitution at nucleotide position 1025. The aspartic acid at codon 342 is replaced by alanine, an amino acid with dissimilar properties. This amino acid position is conserved. In addition, this alteration is predicted to be tolerated by in silico analysis. Based on the available evidence, the clinical significance of this variant remains unclear.

NM_014915.3(ANKRD26):c.1025A>C (p.Asp342Ala)

Gene: ANKRD26 (ankyrin repeat domain 26; minus strand). Cytogenetic location: 10p12.1.
Variant type: single nucleotide variant.
Coding change: c.1025A>C on transcript NM_014915.3 (MANE Select); coding-DNA position 1025, A replaced by C.
Protein change: p.Asp342Ala; replaces aspartic acid 342 with alanine.
Molecular consequence: missense variant.
Genome position (GRCh38, 1-based): chr10:27,077,390, T>G on the plus strand (A>C on the coding strand, the complement: ANKRD26 is on the minus strand). VCF-style: chr10-27077390-T-G. GRCh37 (hg19) VCF-style: chr10-27366319-T-G.
Other names: c.1025A>C, p.Asp342Ala (NM_001256053.2); short protein forms D342A.
Identifiers: ClinVar variation 4859964 (VCV004859964.1).